The following is an entry in ClinVar:

ClinVar aggregate classification (germline): Likely benign (1 of 4 stars; one submission).

Submission:

CeGaT Center for Human Genetics Tuebingen
Classification: Likely benign. Last evaluated: 2024-09-01. Review status: criteria provided, single submitter. Criteria: CeGaT Center For Human Genetics Tuebingen Variant Classification Criteria Version 2. Collection method: clinical testing. Allele origin: germline. Affected: yes. Observed: 1 variant allele.
Comment: ATN1: BP4, BP7

NM_001940.4(ATN1):c.2331C>T (p.Cys777=)

Gene: ATN1 (atrophin 1; plus strand). Cytogenetic location: 12p13.31.
Variant type: single nucleotide variant.
Coding change: c.2331C>T on transcript NM_001940.4 (MANE Select); coding-DNA position 2331, C replaced by T.
Protein change: p.Cys777=; no amino-acid change (cysteine 777 retained).
Molecular consequence: synonymous variant.
Genome position (GRCh38, 1-based): chr12:6,937,881, C>T. VCF-style: chr12-6937881-C-T. GRCh37 (hg19) VCF-style: chr12-7047044-C-T.
Other names: c.2331C>T, p.Cys777= (NM_001007026.2, NM_001424176.1, NM_001424177.1 and 1 more transcripts); c.2328C>T, p.Cys776= (NM_001424179.1, NM_001424180.1); c.2307C>T, p.Cys769= (NM_001424182.1).
Identifiers: ClinVar variation 3341787 (VCV003341787.16).